The following is an entry in ClinVar:

NM_018444.4(PDP1):c.1355A>C (p.Lys452Thr)

Gene: PDP1 (pyruvate dehydrogenase phosphatase catalytic subunit 1; plus strand). Cytogenetic location: 8q22.1.
Variant type: single nucleotide variant.
Coding change: c.1355A>C on transcript NM_018444.4 (MANE Select); coding-DNA position 1355, A replaced by C.
Protein change: p.Lys452Thr; replaces lysine 452 with threonine.
Molecular consequence: missense variant.
Genome position (GRCh38, 1-based): chr8:93,923,414, A>C. VCF-style: chr8-93923414-A-C. GRCh37 (hg19) VCF-style: chr8-94935642-A-C.
Other names: c.1430A>C, p.Lys477Thr (NM_001161779.2, NM_001161780.2); c.1355A>C, p.Lys452Thr (NM_001161781.2); c.1355A>C (NM_018444.3); short protein forms K452T, K477T.
Identifiers: ClinVar variation 1050402 (VCV001050402.2), dbSNP rs749767366, ClinGen allele CA371696782.
Genomic context (GRCh38, chr8:93,923,414, plus strand): 5'-TTGTGGGTGAGTACCTAACTGGCATGCATCACCAACAGCCAATAGCTGTTGGTGGCTACA[A>C]GGTGACTCTGGGACAGATGCATGGCCTTTTAACAGAAAGGAGAACCAAAATGTCCTCGGT-3'
Protein context (NP_060914.2, residues 442-462): HQQPIAVGGY[Lys452Thr]VTLGQMHGLL

ClinVar aggregate classification (germline): Uncertain significance. Review status: criteria provided, single submitter (1 of 4 stars). 2 submissions from 2 submitters: Uncertain significance (1). 1 of the submissions does not count toward it. Last evaluated 2025-09-05.

Conditions:
Inborn genetic diseases. Identifiers: MedGen C0950123, MeSH D030342.

Submissions (2):

Ambry Genetics
Classification: Uncertain significance for Inborn genetic diseases. Last evaluated: 2025-09-05. Review status: criteria provided, single submitter. Criteria: Ambry Variant Classification Scheme 2023. Collection method: clinical testing. Allele origin: germline.

Department of Pathology and Laboratory Medicine, Sinai Health System
Classification: Uncertain significance. Review status: no assertion criteria provided. Collection method: clinical testing. Allele origin: unknown. Affected: yes. Study: The Canadian Open Genetics Repository (COGR). Not counted in ClinVar's aggregate classification.
Comment: The PDP1 p.Lys477Thr variant was not identified in the literature nor was it identified in dbSNP, ClinVar or in the following control databases: the 1000 Genomes Project, the NHLBI GO Exome Sequencing Project, or the Genome Aggregation Database (March 6, 2019, v2.1.1). The p.Lys477 residue is conserved in mammals and computational analyses (PolyPhen-2, SIFT, AlignGVGD, BLOSUM, MutationTaster) provide inconsistent predictions regarding the impact to the protein; this information is not very predictive of pathogenicity. The variant occurs outside of the splicing consensus sequence and 1 of 4 in silico or computational prediction software programs (SpliceSiteFinder, MaxEntScan, NNSPLICE, GeneSplicer) predict a greater than 10% difference in splicing; this is not very predictive of pathogenicity. In summary, based on the above information the clinical significance of this variant cannot be determined with certainty at this time. This variant is classified as a variant of uncertain significance.